The following is an entry in ClinVar:

ClinVar aggregate classification (germline): Likely benign. Review status: criteria provided, single submitter (1 of 4 stars). 2 submissions from 1 submitter: Likely benign (2). Last evaluated 2018-01-13.

Conditions:
Diffuse nonepidermolytic palmoplantar keratoderma (NEPPK). Also called: Nonepidermolytic palmoplantar hyperkeratosis; Nonepidermolytic palmoplantar keratoderma. Identifiers: Orphanet 530838, MedGen C1833030, MONDO:0010962, OMIM 600962, HP:0007404.
Epidermolytic ichthyosis. Also called: Congenital bullous ichthyosiform erythroderma; Bullous ichthyosiform erythroderma; Epidermolytic Hyperkeratosis; KRT10-Related Epidermolytic Hyperkeratosis. Identifiers: Orphanet 312, MedGen C0079153, MONDO:0007239, HP:0007475.

Allele frequency attached by ClinVar (database versions not stated): TOPMed 0.00005; gnomAD 0.00006; ESP Exome Variant Server 0.00008.

Submissions (2):

Illumina Laboratory Services, Illumina
Classification: Likely benign for Epidermolytic hyperkeratosis 1. Last evaluated: 2018-01-13. Review status: criteria provided, single submitter. Criteria: ICSL Variant Classification Criteria 13 December 2019. Collection method: clinical testing. Allele origin: germline.
Comment: This variant was observed in the ICSL laboratory as part of a predisposition screen in an ostensibly healthy population. It had not been previously curated by ICSL or reported in the Human Gene Mutation Database (HGMD: prior to June 1st, 2018), and was therefore a candidate for classification through an automated scoring system. Utilizing variant allele frequency, disease prevalence and penetrance estimates, and inheritance mode, an automated score was calculated to assess if this variant is too frequent to cause the disease. Based on the score and internal cut-off values, a variant classified as likely benign is not then subjected to further curation. The score for this variant resulted in a classification of likely benign for this disease.

Illumina Laboratory Services, Illumina
Classification: Likely benign for Diffuse nonepidermolytic palmoplantar keratoderma. Last evaluated: 2018-01-13. Review status: criteria provided, single submitter. Criteria: ICSL Variant Classification Criteria 13 December 2019. Collection method: clinical testing. Allele origin: germline.
Comment: the same text as in the submission from Illumina Laboratory Services, Illumina above.

NM_006121.4(KRT1):c.1475+14G>A

Gene: KRT1 (keratin 1; minus strand). Cytogenetic location: 12q13.13.
Variant type: single nucleotide variant.
Coding change: c.1475+14G>A on transcript NM_006121.4 (MANE Select); 14 bases into the intron after coding-DNA position 1475, G replaced by A.
Molecular consequence: intron variant.
Genome position (GRCh38, 1-based): chr12:52,676,261, C>T on the plus strand (G>A on the coding strand, the complement: KRT1 is on the minus strand). VCF-style: chr12-52676261-C-T. GRCh37 (hg19) VCF-style: chr12-53070045-C-T.
Identifiers: ClinVar variation 309643 (VCV000309643.5), dbSNP rs369324638, ClinGen allele CA6586166.